The following is an entry in ClinVar:

NM_016284.5(CNOT1):c.5492T>C (p.Met1831Thr)

Gene: CNOT1 (CCR4-NOT transcription complex subunit 1; minus strand). Cytogenetic location: 16q21.
Variant type: single nucleotide variant.
Coding change: c.5492T>C on transcript NM_016284.5 (MANE Select); coding-DNA position 5492, T replaced by C.
Protein change: p.Met1831Thr; replaces methionine 1831 with threonine.
Molecular consequence: missense variant. On other transcripts: non-coding transcript variant (1).
Genome position (GRCh38, 1-based): chr16:58,537,143, A>G on the plus strand (T>C on the coding strand, the complement: CNOT1 is on the minus strand). VCF-style: chr16-58537143-A-G. GRCh37 (hg19) VCF-style: chr16-58571047-A-G.
Other names: c.5477T>C, p.Met1826Thr (NM_001265612.2); short protein forms M1831T, M1826T.
Identifiers: ClinVar variation 3650776 (VCV003650776.2).

ClinVar aggregate classification (germline): Uncertain significance (1 of 4 stars; one submission).

Submission:

Labcorp Genetics (formerly Invitae), Labcorp
Classification: Uncertain significance. Last evaluated: 2024-09-06. Review status: criteria provided, single submitter. Criteria: Invitae Variant Classification Sherloc (09022015). Collection method: clinical testing. Allele origin: germline.
Comment: This sequence change replaces methionine, which is neutral and non-polar, with threonine, which is neutral and polar, at codon 1826 of the CNOT1 protein (p.Met1826Thr). This variant is not present in population databases (gnomAD no frequency). This variant has not been reported in the literature in individuals affected with CNOT1-related conditions. An algorithm developed to predict the effect of missense changes on protein structure and function (PolyPhen-2) suggests that this variant is likely to be tolerated. In summary, the available evidence is currently insufficient to determine the role of this variant in disease. Therefore, it has been classified as a Variant of Uncertain Significance.